The following is an entry in ClinVar:

NM_000384.3(APOB):c.744A>C (p.Thr248=)

Gene: APOB (apolipoprotein B; minus strand). Cytogenetic location: 2p24.1.
Variant type: single nucleotide variant.
Coding change: c.744A>C on transcript NM_000384.3 (MANE Select); coding-DNA position 744, A replaced by C.
Protein change: p.Thr248=; no amino-acid change (threonine 248 retained).
Molecular consequence: synonymous variant.
Genome position (GRCh38, 1-based): chr2:21,035,658, T>G on the plus strand (A>C on the coding strand, the complement: APOB is on the minus strand). VCF-style: chr2-21035658-T-G. GRCh37 (hg19) VCF-style: chr2-21258530-T-G.
Identifiers: ClinVar variation 3392991 (VCV003392991.1).

ClinVar aggregate classification (germline): Likely benign (1 of 4 stars; one submission).

Conditions:
Familial hypercholesterolemia. Also called: Familial hypercholesterolaemia. Identifiers: MedGen C0020445, MONDO:0005439.

Submission:

GENinCode PLC
Classification: Likely benign for Familial hypercholesterolemia. Last evaluated: 2023-07-20. Review status: criteria provided, single submitter. Criteria: ACMG Guidelines, 2015. Collection method: clinical testing. Allele origin: germline.
Comment: This is a synonymous (silent) variant that is not predicted by SpliceAI to impact splicing. In addition, it occurs at a nucleotide that is not conserved. Therefore this variant has been classified as Likely Benign (BP4, BP7).